The following is an entry in ClinVar:

NM_000334.4(SCN4A):c.4378C>T (p.Arg1460Trp)

Genes: GH-LCR (growth hormone locus control region; plus strand), SCN4A (sodium voltage-gated channel alpha subunit 4; minus strand). Cytogenetic location: 17q23.3.
Variant type: single nucleotide variant.
Coding change: c.4378C>T on transcript NM_000334.4 (MANE Select); coding-DNA position 4378, C replaced by T.
Protein change: p.Arg1460Trp; replaces arginine 1460 with tryptophan.
Molecular consequence: missense variant.
Genome position (GRCh38, 1-based): chr17:63,941,904, G>A on the plus strand (C>T on the coding strand, the complement: SCN4A is on the minus strand). VCF-style: chr17-63941904-G-A. GRCh37 (hg19) VCF-style: chr17-62019264-G-A.
Other names: short protein forms R1460W.
Identifiers: ClinVar variation 477422 (VCV000477422.16), dbSNP rs368256039, ClinGen allele CA8708979.

ClinVar aggregate classification (germline): Conflicting classifications of pathogenicity. Review status: criteria provided, conflicting classifications (1 of 4 stars). 4 submissions from 4 submitters: Pathogenic (1); Likely pathogenic (2); Uncertain significance (1). Last evaluated 2026-01-05.

Conditions:
SCN4A-related disorder. Also called: SCN4A-related disorders.
Hyperkalemic periodic paralysis. Also called: Gamstorp disease; Familial hyperkalemic periodic paralysis. Identifiers: Orphanet 682, MedGen C0238357, MONDO:0008224, OMIM 170500, HP:0007215.

Allele frequency attached by ClinVar (database versions not stated): ExAC 0.00001; gnomAD exomes 0.00002; TOPMed 0.00002; gnomAD 0.00003; ESP Exome Variant Server 0.00008.
gnomAD v4.1: 34 of 1,612,890 alleles (0.0021%); highest among the groups gnomAD compares: South Asian, 0.0044%; no homozygotes.

Submissions (4):

Labcorp Genetics (formerly Invitae), Labcorp
Classification: Uncertain significance for Hyperkalemic periodic paralysis. Last evaluated: 2026-01-05. Review status: criteria provided, single submitter. Criteria: Invitae Variant Classification Sherloc (09022015). Collection method: clinical testing. Allele origin: germline.
Comment: This sequence change replaces arginine, which is basic and polar, with tryptophan, which is neutral and slightly polar, at codon 1460 of the SCN4A protein (p.Arg1460Trp). This variant is present in population databases (rs368256039, gnomAD 0.006%). This missense change has been observed in individual(s) with autosomal recessive SCN4A-related conditions (PMID: 30824560). ClinVar contains an entry for this variant (Variation ID: 477422). Invitae Evidence Modeling of protein sequence and biophysical properties (such as structural, functional, and spatial information, amino acid conservation, physicochemical variation, residue mobility, and thermodynamic stability) indicates that this missense variant is expected to disrupt SCN4A protein function with a positive predictive value of 95%. Experimental studies have shown that this missense change affects SCN4A function (PMID: 30824560). In summary, the available evidence is currently insufficient to determine the role of this variant in disease. Therefore, it has been classified as a Variant of Uncertain Significance.

PreventionGenetics, part of Exact Sciences
Classification: Likely pathogenic for SCN4A-related condition. Last evaluated: 2022-11-27. Review status: criteria provided, single submitter. Criteria: ACMG Guidelines, 2015. Collection method: clinical testing. Allele origin: germline.
Comment: The SCN4A c.4378C>T variant is predicted to result in the amino acid substitution p.Arg1460Trp. This variant has been reported in the homozygous state in an individual with autosomal recessive congenital myasthenic syndrome and both parents of this individual are asymptomatic carriers (Table 1, Elia et al 2019. PubMed ID: 30824560). This variant is reported in 0.0065% of alleles in individuals of South Asian descent in gnomAD. An alternate change affecting the same amino acid (p.Arg1460Gln) has been reported in the compound heterozygous state in an individual with autosomal recessive congenital myasthenic syndrome, as well as in the heterozygous state in multiple individuals with myotonia (Elia et al 2019. PubMed ID: 30824560). Functional studies of the alternate change, p.Arg1460Gln, have shown unusual mixed defects with both loss-of function and gain-of-function changes (Elia et al 2019. PubMed ID: 30824560). The c.4378C>T (p.Arg1460Trp) variant is interpreted as likely pathogenic.

Revvity Omics, Revvity
Classification: Likely pathogenic. Last evaluated: 2021-11-08. Review status: criteria provided, single submitter. Criteria: ACMG Guidelines, 2015. Collection method: clinical testing. Allele origin: germline.

GeneDx
Classification: Pathogenic. Last evaluated: 2020-02-25. Review status: criteria provided, single submitter. Criteria: GeneDx Variant Classification Process June 2021. Collection method: clinical testing. Allele origin: germline. Affected: yes.
Comment: Published functional studies showed altered voltage dependence and channel inactivation (Elia et al., 2019); In silico analysis, which includes protein predictors and evolutionary conservation, supports a deleterious effect; This variant is associated with the following publications: (PMID: 30824560)

Literature cited by the submitters: PubMed 30824560 (cited by Labcorp Genetics (formerly Invitae), Labcorp).